The following is an entry in ClinVar:

NM_003998.4(NFKB1):c.710C>G (p.Ser237Ter)

Gene: NFKB1 (nuclear factor kappa B subunit 1; plus strand). Cytogenetic location: 4q24.
Variant type: single nucleotide variant.
Coding change: c.710C>G on transcript NM_003998.4 (MANE Select); coding-DNA position 710, C replaced by G.
Protein change: p.Ser237Ter; replaces serine 237 with a stop codon.
Molecular consequence: nonsense.
Genome position (GRCh38, 1-based): chr4:102,579,019, C>G. VCF-style: chr4-102579019-C-G. GRCh37 (hg19) VCF-style: chr4-103500176-C-G.
Other names: c.707C>G, p.Ser236Ter (NM_001165412.2, NM_001319226.2, NM_001382627.1); c.710C>G, p.Ser237Ter (NM_001382625.1, NM_001382626.1); c.668C>G, p.Ser223Ter (NM_001382628.1); short protein forms S223*, S237*, S236*.
Identifiers: ClinVar variation 2098248 (VCV002098248.4), dbSNP rs2476415934, ClinGen allele CA357959766.
Genomic context (GRCh38, chr4:102,579,019, plus strand): 5'-TTACAGCTTTTCTTCCGGATAGCACTGGCAGCTTCACAAGGCGCCTGGAACCCGTGGTAT[C>G]AGACGCCATCTATGACAGTAGTGAGTACTTCACTTCCAACAGGGGGCACACCAAGAATAG-3'

ClinVar aggregate classification (germline): Pathogenic (1 of 4 stars; one submission).

Submission:

Labcorp Genetics (formerly Invitae), Labcorp
Classification: Pathogenic. Last evaluated: 2022-04-10. Review status: criteria provided, single submitter. Criteria: Invitae Variant Classification Sherloc (09022015). Collection method: clinical testing. Allele origin: germline.
Comment: This sequence change creates a premature translational stop signal (p.Ser237*) in the NFKB1 gene. It is expected to result in an absent or disrupted protein product. Loss-of-function variants in NFKB1 are known to be pathogenic (PMID: 26279205, 29477724). For these reasons, this variant has been classified as Pathogenic. Algorithms developed to predict the effect of sequence changes on RNA splicing suggest that this variant may create or strengthen a splice site. This premature translational stop signal has been observed in individual(s) with clinical features of NFKB1-related conditions (PMID: 33144682). This variant is not present in population databases (gnomAD no frequency).

Literature cited by the submitters: PubMed 26279205; PubMed 29477724; PubMed 33144682.